The following is an entry in ClinVar:

ClinVar aggregate classification (germline): Uncertain significance. Review status: criteria provided, multiple submitters, no conflicts (2 of 4 stars). 2 submissions from 2 submitters: Uncertain significance (2). Last evaluated 2024-04-03.

gnomAD v4.1: 4 of 1,613,624 alleles (0.00025%); highest among the groups gnomAD compares: Middle Eastern, 0.033%; no homozygotes.

Submissions (2):

Labcorp Genetics (formerly Invitae), Labcorp
Classification: Uncertain significance. Last evaluated: 2024-04-03. Review status: criteria provided, single submitter. Criteria: Invitae Variant Classification Sherloc (09022015). Collection method: clinical testing. Allele origin: germline.
Comment: This sequence change replaces histidine, which is basic and polar, with glutamine, which is neutral and polar, at codon 1684 of the SI protein (p.His1684Gln). This variant is not present in population databases (gnomAD no frequency). This variant has not been reported in the literature in individuals affected with SI-related conditions. ClinVar contains an entry for this variant (Variation ID: 1418824). Advanced modeling of protein sequence and biophysical properties (such as structural, functional, and spatial information, amino acid conservation, physicochemical variation, residue mobility, and thermodynamic stability) has been performed at Invitae for this missense variant, however the output from this modeling did not meet the statistical confidence thresholds required to predict the impact of this variant on SI protein function. In summary, the available evidence is currently insufficient to determine the role of this variant in disease. Therefore, it has been classified as a Variant of Uncertain Significance.

GeneDx
Classification: Uncertain significance. Last evaluated: 2024-01-15. Review status: criteria provided, single submitter. Criteria: GeneDx Variant Classification Process June 2021. Collection method: clinical testing. Allele origin: germline. Affected: yes.
Comment: Not observed at significant frequency in large population cohorts (gnomAD); In silico analysis supports that this missense variant has a deleterious effect on protein structure/function; This variant is associated with the following publications: (PMID: 34615726)

NM_001041.4(SI):c.5052T>A (p.His1684Gln)

Gene: SI (sucrase-isomaltase; minus strand). Cytogenetic location: 3q26.1.
Variant type: single nucleotide variant.
Coding change: c.5052T>A on transcript NM_001041.4 (MANE Select); coding-DNA position 5052, T replaced by A.
Protein change: p.His1684Gln; replaces histidine 1684 with glutamine.
Molecular consequence: missense variant.
Genome position (GRCh38, 1-based): chr3:164,991,409, A>T on the plus strand (T>A on the coding strand, the complement: SI is on the minus strand). VCF-style: chr3-164991409-A-T. GRCh37 (hg19) VCF-style: chr3-164709197-A-T.
Other names: c.5052T>A (NM_001041.3); short protein forms H1684Q.
Identifiers: ClinVar variation 1418824 (VCV001418824.7), dbSNP rs748153693, ClinGen allele CA355028130.
Genomic context (GRCh38, chr3:164,991,409, plus strand): 5'-TTACCTGTAAAATGTGTTTTGAGCTGGCTCTTGACATGGTAGGATGTGACCACCACGGAC[A>T]TGTAGGTTTATTGTGTCATAAGAAGCATTAAATGTTTGAAATTGTCCTCTGACGCCAATA-3'
Protein context (NP_001032.2, residues 1674-1694): FNASYDTINL[His1684Gln]VRGGHILPCQ